The following is an entry in ClinVar:

ClinVar aggregate classification (germline): Uncertain significance (1 of 4 stars; one submission).

gnomAD v4.1: 2 of 1,614,078 alleles (0.00012%); highest among the groups gnomAD compares: South Asian, 0.0011%; no homozygotes.

Submission:

Labcorp Genetics (formerly Invitae), Labcorp
Classification: Uncertain significance. Last evaluated: 2021-07-29. Review status: criteria provided, single submitter. Criteria: Invitae Variant Classification Sherloc (09022015). Collection method: clinical testing. Allele origin: germline.
Comment: In summary, the available evidence is currently insufficient to determine the role of this variant in disease. Therefore, it has been classified as a Variant of Uncertain Significance. Algorithms developed to predict the effect of missense changes on protein structure and function are either unavailable or do not agree on the potential impact of this missense change (SIFT: "Deleterious"; PolyPhen-2: "Not Available"; Align-GVGD: "Class C0"). This variant has not been reported in the literature in individuals affected with CLTC-related conditions. This variant is not present in population databases (ExAC no frequency). This sequence change replaces valine with methionine at codon 1125 of the CLTC protein (p.Val1125Met). The valine residue is highly conserved and there is a small physicochemical difference between valine and methionine.

NM_004859.4(CLTC):c.3361G>A (p.Val1121Met)

Gene: CLTC (clathrin heavy chain; plus strand). Cytogenetic location: 17q23.1.
Variant type: single nucleotide variant.
Coding change: c.3361G>A on transcript NM_004859.4 (MANE Select); coding-DNA position 3361, G replaced by A.
Protein change: p.Val1121Met; replaces valine 1121 with methionine.
Molecular consequence: missense variant.
Genome position (GRCh38, 1-based): chr17:59,681,758, G>A. VCF-style: chr17-59681758-G-A. GRCh37 (hg19) VCF-style: chr17-57759119-G-A.
Other names: c.3373G>A, p.Val1125Met (NM_001288653.2); short protein forms V1125M, V1121M.
Identifiers: ClinVar variation 1370885 (VCV001370885.6), dbSNP rs1292073753, ClinGen allele CA400417621.